The following is an entry in ClinVar:

NM_000455.5(STK11):c.1172G>T (p.Cys391Phe)

Gene: STK11 (serine/threonine kinase 11; plus strand). Cytogenetic location: 19p13.3.
Variant type: single nucleotide variant.
Coding change: c.1172G>T on transcript NM_000455.5 (MANE Select); coding-DNA position 1172, G replaced by T.
Protein change: p.Cys391Phe; replaces cysteine 391 with phenylalanine.
Molecular consequence: missense variant. On other transcripts: non-coding transcript variant (1).
Genome position (GRCh38, 1-based): chr19:1,226,517, G>T. VCF-style: chr19-1226517-G-T. GRCh37 (hg19) VCF-style: chr19-1226516-G-T.
Other names: short protein forms C391F.
Identifiers: ClinVar variation 3323269 (VCV003323269.3).

ClinVar aggregate classification (germline): Uncertain significance. Review status: criteria provided, multiple submitters, no conflicts (2 of 4 stars). 2 submissions from 2 submitters: Uncertain significance (2). Last evaluated 2024-08-14.

Conditions:
Hereditary cancer-predisposing syndrome. Also called: Neoplastic Syndromes, Hereditary; Hereditary neoplastic syndrome; Tumor predisposition; Hereditary Cancer Syndrome. Identifiers: Orphanet 140162, MedGen C0027672, MeSH D009386, MONDO:0015356.
Peutz-Jeghers syndrome (PJS). Also called: POLYPOSIS, HAMARTOMATOUS INTESTINAL; POLYPS-AND-SPOTS SYNDROME; Peutz-Jeghers polyposis; Periorificial lentiginosis syndrome. Identifiers: Orphanet 2869, MedGen C0031269, MeSH D010580, MONDO:0008280, OMIM 175200.

Submissions (2):

Labcorp Genetics (formerly Invitae), Labcorp
Classification: Uncertain significance for Peutz-Jeghers syndrome. Last evaluated: 2024-08-14. Review status: criteria provided, single submitter. Criteria: Invitae Variant Classification Sherloc (09022015). Collection method: clinical testing. Allele origin: germline.
Comment: This sequence change replaces cysteine, which is neutral and slightly polar, with phenylalanine, which is neutral and non-polar, at codon 391 of the STK11 protein (p.Cys391Phe). This variant is not present in population databases (gnomAD no frequency). This variant has not been reported in the literature in individuals affected with STK11-related conditions. Invitae Evidence Modeling of protein sequence and biophysical properties (such as structural, functional, and spatial information, amino acid conservation, physicochemical variation, residue mobility, and thermodynamic stability) indicates that this missense variant is not expected to disrupt STK11 protein function with a negative predictive value of 95%. In summary, the available evidence is currently insufficient to determine the role of this variant in disease. Therefore, it has been classified as a Variant of Uncertain Significance.

Ambry Genetics
Classification: Uncertain significance for Hereditary cancer-predisposing syndrome. Last evaluated: 2024-06-09. Review status: criteria provided, single submitter. Criteria: Ambry Variant Classification Scheme 2023. Collection method: clinical testing. Allele origin: germline.
Comment: The p.C391F variant (also known as c.1172G>T), located in coding exon 9 of the STK11 gene, results from a G to T substitution at nucleotide position 1172. The cysteine at codon 391 is replaced by phenylalanine, an amino acid with highly dissimilar properties. This amino acid position is conserved. In addition, this alteration is predicted to be deleterious by in silico analysis. Based on the available evidence, the clinical significance of this variant remains unclear.